The following is an entry in ClinVar:

NM_024592.5(SRD5A3):c.50C>T (p.Ala17Val)

Gene: SRD5A3 (steroid 5 alpha-reductase 3; plus strand). Cytogenetic location: 4q12.
Variant type: single nucleotide variant.
Coding change: c.50C>T on transcript NM_024592.5 (MANE Select); coding-DNA position 50, C replaced by T.
Protein change: p.Ala17Val; replaces alanine 17 with valine.
Molecular consequence: missense variant.
Genome position (GRCh38, 1-based): chr4:55,346,386, C>T. VCF-style: chr4-55346386-C-T. GRCh37 (hg19) VCF-style: chr4-56212553-C-T.
Other names: short protein forms A17V.
Identifiers: ClinVar variation 432432 (VCV000432432.7), dbSNP rs1175656094, ClinGen allele CA356956590.

ClinVar aggregate classification (germline): Uncertain significance. Review status: criteria provided, multiple submitters, no conflicts (2 of 4 stars). 2 submissions from 2 submitters: Uncertain significance (2). Last evaluated 2025-02-27.

Conditions:
SRD5A3-congenital disorder of glycosylation. Also called: COLOBOMA, OCULAR, WITH ICHTHYOSIS, BRAIN MALFORMATIONS, AND ENDOCRINE ABNORMALITIES; Congenital disorder of glycosylation type 1Q; Ocular colobomas, ichthyosis, brain malformations and endocrine abnormalities; CDG Iq; SRD5A3-CDG. Identifiers: Orphanet 324737, MedGen C4317224, MONDO:0012885, OMIM 612379.

Allele frequency attached by ClinVar (database versions not stated): gnomAD 0.00001; TOPMed 0.00001.
gnomAD v4.1: 2 of 1,574,834 alleles (0.00013%); highest among the groups gnomAD compares: Admixed American, 0.0018%; no homozygotes.

Submissions (2):

GeneDx
Classification: Uncertain significance. Last evaluated: 2025-02-27. Review status: criteria provided, single submitter. Criteria: GeneDx Variant Classification Process June 2021. Collection method: clinical testing. Allele origin: germline. Affected: yes.
Comment: Not observed at significant frequency in large population cohorts (gnomAD); In silico analysis indicates that this missense variant does not alter protein structure/function; Has not been previously published as pathogenic or benign to our knowledge

Labcorp Genetics (formerly Invitae), Labcorp
Classification: Uncertain significance for SRD5A3-congenital disorder of glycosylation. Last evaluated: 2022-04-19. Review status: criteria provided, single submitter. Criteria: Invitae Variant Classification Sherloc (09022015). Collection method: clinical testing. Allele origin: germline.
Comment: This sequence change replaces alanine, which is neutral and non-polar, with valine, which is neutral and non-polar, at codon 17 of the SRD5A3 protein (p.Ala17Val). This variant is not present in population databases (gnomAD no frequency). This variant has not been reported in the literature in individuals affected with SRD5A3-related conditions. ClinVar contains an entry for this variant (Variation ID: 432432). Algorithms developed to predict the effect of missense changes on protein structure and function output the following: SIFT: "Tolerated"; PolyPhen-2: "Benign"; Align-GVGD: "Class C0". The valine amino acid residue is found in multiple mammalian species, which suggests that this missense change does not adversely affect protein function. In summary, the available evidence is currently insufficient to determine the role of this variant in disease. Therefore, it has been classified as a Variant of Uncertain Significance.